The following is an entry in ClinVar:

NM_031935.3(HMCN1):c.15256+1G>T

Gene: HMCN1 (hemicentin 1; plus strand). Cytogenetic location: 1q31.1.
Variant type: single nucleotide variant.
Coding change: c.15256+1G>T on transcript NM_031935.3 (MANE Select); the canonical splice donor site of the intron after coding-DNA position 15256, G replaced by T.
Molecular consequence: splice donor variant.
Genome position (GRCh38, 1-based): chr1:186,153,988, G>T. VCF-style: chr1-186153988-G-T. GRCh37 (hg19) VCF-style: chr1-186123120-G-T.
Identifiers: ClinVar variation 2100115 (VCV002100115.4), dbSNP rs1650833227, ClinGen allele CA343925054.

ClinVar aggregate classification (germline): Uncertain significance (1 of 4 stars; one submission).

Allele frequency attached by ClinVar (database versions not stated): gnomAD exomes below 0.00001; gnomAD 0.00001; TOPMed 0.00001.
gnomAD v4.1: 3 of 1,606,816 alleles (0.00019%); highest among the groups gnomAD compares: Non-Finnish European, 0.00026%; no homozygotes.

Submission:

Labcorp Genetics (formerly Invitae), Labcorp
Classification: Uncertain significance. Last evaluated: 2022-02-20. Review status: criteria provided, single submitter. Criteria: Invitae Variant Classification Sherloc (09022015). Collection method: clinical testing. Allele origin: germline.
Comment: In summary, the available evidence is currently insufficient to determine the role of this variant in disease. Therefore, it has been classified as a Variant of Uncertain Significance. Algorithms developed to predict the effect of sequence changes on RNA splicing suggest that this variant may disrupt the consensus splice site. This variant has not been reported in the literature in individuals affected with HMCN1-related conditions. This variant is not present in population databases (gnomAD no frequency). This sequence change affects a donor splice site in intron 97 of the HMCN1 gene. It is expected to disrupt RNA splicing. Variants that disrupt the donor or acceptor splice site typically lead to a loss of protein function (PMID: 16199547), however the current clinical and genetic evidence is not sufficient to establish whether loss-of-function variants in HMCN1 cause disease.

Literature cited by the submitters: PubMed 16199547.